The following is an entry in ClinVar:

NM_182914.3(SYNE2):c.8761A>C (p.Lys2921Gln)

Gene: SYNE2 (spectrin repeat containing nuclear envelope protein 2; plus strand). Cytogenetic location: 14q23.2.
Variant type: single nucleotide variant.
Coding change: c.8761A>C on transcript NM_182914.3 (MANE Select); coding-DNA position 8761, A replaced by C.
Protein change: p.Lys2921Gln; replaces lysine 2921 with glutamine.
Molecular consequence: missense variant.
Genome position (GRCh38, 1-based): chr14:64,052,674, A>C. VCF-style: chr14-64052674-A-C. GRCh37 (hg19) VCF-style: chr14-64519392-A-C.
Other names: c.8761A>C, p.Lys2921Gln (NM_015180.6); short protein forms K2921Q.
Identifiers: ClinVar variation 313538 (VCV000313538.22), dbSNP rs182683822, ClinGen allele CA7221157.

ClinVar aggregate classification (germline): Benign/Likely benign. Review status: criteria provided, multiple submitters, no conflicts (2 of 4 stars). 4 submissions from 4 submitters: Benign (1); Likely benign (3). Last evaluated 2026-06-01.

Conditions:
Emery-Dreifuss muscular dystrophy 5, autosomal dominant (EDMD5). Also called: EMERY-DREIFUSS MUSCULAR DYSTROPHY 5. Identifiers: Orphanet 261, MedGen C2751805, MONDO:0013072, OMIM 612999.

Allele frequency attached by ClinVar (database versions not stated): 1000 Genomes Project 30x 0.00016; TOPMed 0.00019; 1000 Genomes Project 0.00020; gnomAD exomes 0.00031 and 0.00037; ESP Exome Variant Server 0.00034; ExAC 0.00048; gnomAD 0.00048 and 0.00051.
gnomAD v4.1: 527 of 1,613,910 alleles (0.033%); highest among the groups gnomAD compares: Non-Finnish European, 0.023%; 3 homozygotes.

Submissions (4):

CeGaT Center for Human Genetics Tuebingen
Classification: Likely benign. Last evaluated: 2026-06-01. Review status: criteria provided, single submitter. Criteria: CeGaT Center For Human Genetics Tuebingen Variant Classification Criteria Version 2. Collection method: clinical testing. Allele origin: germline. Affected: yes. Observed: 1 variant allele.
Comment: SYNE2: BP4, BS1

Labcorp Genetics (formerly Invitae), Labcorp
Classification: Likely benign for Emery-Dreifuss muscular dystrophy 5, autosomal dominant. Last evaluated: 2025-10-23. Review status: criteria provided, single submitter. Criteria: Invitae Variant Classification Sherloc (09022015). Collection method: clinical testing. Allele origin: germline.

Revvity Omics, Revvity
Classification: Likely benign for Emery-Dreifuss muscular dystrophy 5, autosomal dominant. Last evaluated: 2024-10-11. Review status: criteria provided, single submitter. Criteria: ACMG Guidelines, 2015. Collection method: clinical testing. Allele origin: germline.

Illumina Laboratory Services, Illumina
Classification: Benign for Emery-Dreifuss muscular dystrophy 5, autosomal dominant. Last evaluated: 2018-01-12. Review status: criteria provided, single submitter. Criteria: ICSL Variant Classification Criteria 13 December 2019. Collection method: clinical testing. Allele origin: germline.
Comment: This variant was observed in the ICSL laboratory as part of a predisposition screen in an ostensibly healthy population. It had not been previously curated by ICSL or reported in the Human Gene Mutation Database (HGMD: prior to June 1st, 2018), and was therefore a candidate for classification through an automated scoring system. Utilizing variant allele frequency, disease prevalence and penetrance estimates, and inheritance mode, an automated score was calculated to assess if this variant is too frequent to cause the disease. Based on the score and internal cut-off values, a variant classified as benign is not then subjected to further curation. The score for this variant resulted in a classification of benign for this disease.